The following is an entry in ClinVar:

ClinVar aggregate classification (germline): Likely benign. Review status: reviewed by expert panel (3 of 4 stars). 3 submissions from 3 submitters: Likely benign (1). 2 of the submissions do not count toward it. Last evaluated 2024-07-09.

Conditions:
von Willebrand disease type 2 (VWD2). Also called: VON WILLEBRAND DISEASE, TYPE 2A/IIE; VON WILLEBRAND DISEASE, TYPE 2CB; VON WILLEBRAND DISEASE, TYPE II; VWD, TYPE 2. Identifiers: Orphanet 166081, Orphanet 903, MedGen C1264040, MONDO:0013304, OMIM 613554.
Hereditary von Willebrand disease. Identifiers: Orphanet 903, MedGen C5703318, MONDO:0019565. Inheritance: Autosomal recessive or Autosomal dominant.

Allele frequency attached by ClinVar (database versions not stated): gnomAD 0.00003; gnomAD exomes 0.00005 and 0.00011; ExAC 0.00016; 1000 Genomes Project 0.00020; 1000 Genomes Project 30x 0.00031.
gnomAD v4.1: 78 of 1,613,826 alleles (0.0048%); highest among the groups gnomAD compares: South Asian, 0.065%; 2 homozygotes.

Submissions (3):

ClinGen von Willebrand Disease Variant Curation Expert Panel, ClinGen
Classification: Likely benign for Hereditary von Willebrand disease. Last evaluated: 2024-07-09. Review status: reviewed by expert panel. Criteria: ClinGen VWD 2A B M Rules. Collection method: curation. Allele origin: germline.
Comment: The NM_000552.5:c.4748G>A variant encodes a missense substitution of arginine by glutamine at codon 1583 in VWF. At least 1 patient with this variant displayed excessive mucocutaneous bleeding as well as a laboratory phenotype of low VWF:RCo / VWF:Ag ratio, which is specific for VWD type 2A. However, segregation evidence within the family indicated that another variant (p.Cys849Tyr) was responsible for the phenotype (PMID: 19422453, PMID: 35452508). p.Cys849Arg has been classified likely pathogenic by the ClinGen VWD VCEP (BP5). The computational predictor REVEL gives a score of 0.229, which is below the ClinGen VWD VCEP threshold of <0.290 and does not predict a damaging effect on VWF function (BP4). Additionally, the computational splicing predictor SpliceAI indicated that the variant has no impact on splicing. The Grpmax filtering allele frequency in gnomAD v4.1 is 0.0005148 (based on 59/91064 alleles in the South Asian population, with 2 homozygotes). This intermediate allele frequency is lower than the ClinGen VWD VCEP threshold (>0.01) for BS1 but higher than the threshold (<0.005 for type 2N OR <0.0001 for type 2A/B/M) for PM2_Supporting. Multimerization assay performed with the (p.Arg1583Gln) recombinant mutant and wild-type control vWF expressed by COS-7 cells showed nearly normal multimers (with only slight decrease in ultra-high MW multimers), indicating that this variant does not have a damaging effect on protein function consistent with the multimerization defect observed in the proband (PMID: 19422453). Electrophoretic analysis of recombinant VWF multimeric patterns also showed normal susceptibility of the recombinant mutant to ADAMTS-13 proteolysis (PMID: 19422453). In summary, this variant meets the criteria to be classified as likely benign for hereditary VWD based on the application of ACMG/AMP criteria applied, as specified by the ClinGen VWD VCEP: BP4, BP5.

Blueprint Genetics
Classification: Uncertain significance. Last evaluated: 2024-02-05. Review status: criteria provided, single submitter. Criteria: ACMG Guidelines, 2015. Collection method: clinical testing. Allele origin: germline. Not counted in ClinVar's aggregate classification.

Angelo Bianchi Bonomi Hemophilia and Thrombosis Center, Fondazione IRCCS Ca Granda Ospedale Maggiore Policlinico
Classification: Likely benign for von Willebrand disease type 2. Last evaluated: 2022-04-26. Review status: no assertion criteria provided. Collection method: clinical testing. Allele origin: germline. Affected: yes. Not counted in ClinVar's aggregate classification.

NM_000552.5(VWF):c.4748G>A (p.Arg1583Gln)

Gene: VWF (von Willebrand factor; minus strand). Cytogenetic location: 12p13.31.
Variant type: single nucleotide variant.
Coding change: c.4748G>A on transcript NM_000552.5 (MANE Select); coding-DNA position 4748, G replaced by A.
Protein change: p.Arg1583Gln; replaces arginine 1583 with glutamine.
Molecular consequence: missense variant.
Genome position (GRCh38, 1-based): chr12:6,018,670, C>T on the plus strand (G>A on the coding strand, the complement: VWF is on the minus strand). VCF-style: chr12-6018670-C-T. GRCh37 (hg19) VCF-style: chr12-6127836-C-T.
Other names: NM_000552.5(VWF):c.4748G>A; p.Arg1583Gln; short protein forms R1583Q.
Identifiers: ClinVar variation 1684004 (VCV001684004.3), dbSNP rs538030800, ClinGen allele CA6402465.